The following is an entry in ClinVar:

ClinVar aggregate classification (germline): Pathogenic. Review status: reviewed by expert panel (3 of 4 stars). 3 submissions from 3 submitters: Pathogenic (1). 2 of the submissions do not count toward it. Last evaluated 2016-09-08.

Conditions:
Hereditary cancer-predisposing syndrome. Also called: Neoplastic Syndromes, Hereditary; Hereditary Cancer Syndrome; Hereditary neoplastic syndrome; Tumor predisposition. Identifiers: Orphanet 140162, MedGen C0027672, MeSH D009386, MONDO:0015356.
Hereditary breast ovarian cancer syndrome. Also called: Hereditary breast and ovarian cancer syndrome; Hereditary breast and/or ovarian cancer syndrome; BRCA1- and BRCA2-Associated Hereditary Breast and Ovarian Cancer; Hereditary breast and ovarian cancer; Breast and ovarian cancer; Hereditary breast and ovarian cancer syndrome (HBOC). Identifiers: Orphanet 145, MedGen C0677776, MeSH D061325, MONDO:0003582. Disease mechanism: loss of function.
Breast-ovarian cancer, familial, susceptibility to, 2 (BROVCA2). Also called: BRCA2 Hereditary Breast and Ovarian Cancer. Identifiers: Orphanet 145, MedGen C2675520, MONDO:0012933, OMIM 612555. Disease mechanism: loss of function.

Submissions (3):

Evidence-based Network for the Interpretation of Germline Mutant Alleles (ENIGMA)
Classification: Pathogenic for Breast-ovarian cancer, familial, susceptibility to, 2. Last evaluated: 2016-09-08. Review status: reviewed by expert panel. Criteria: ENIGMA BRCA1/2 Classification Criteria (2015). Collection method: curation. Allele origin: germline.
Comment: Variant allele predicted to encode a truncated non-functional protein.

Labcorp Genetics (formerly Invitae), Labcorp
Classification: Pathogenic for Hereditary breast ovarian cancer syndrome. Last evaluated: 2024-04-15. Review status: criteria provided, single submitter. Criteria: Invitae Variant Classification Sherloc (09022015). Collection method: clinical testing. Allele origin: germline. Not counted in ClinVar's aggregate classification.
Comment: This sequence change creates a premature translational stop signal (p.Glu1120Asnfs*30) in the BRCA2 gene. It is expected to result in an absent or disrupted protein product. Loss-of-function variants in BRCA2 are known to be pathogenic (PMID: 20104584). This variant is not present in population databases (gnomAD no frequency). This premature translational stop signal has been observed in individual(s) with clinical features of BRCA2-related conditions (PMID: 21520333). ClinVar contains an entry for this variant (Variation ID: 142722). For these reasons, this variant has been classified as Pathogenic.

Ambry Genetics
Classification: Pathogenic for Hereditary cancer-predisposing syndrome. Last evaluated: 2018-04-03. Review status: criteria provided, single submitter. Criteria: Ambry Variant Classification Scheme 2023. Collection method: clinical testing. Allele origin: germline. Not counted in ClinVar's aggregate classification.
Comment: The c.3358delG pathogenic mutation, located in coding exon 10 of the BRCA2 gene, results from a deletion of one nucleotide at nucleotide position 3358, causing a translational frameshift with a predicted alternate stop codon (p.E1120Nfs*30). This alteration is expected to result in loss of function by premature protein truncation or nonsense-mediated mRNA decay. As such, this alteration is interpreted as a disease-causing mutation.

Literature cited by the submitters: PubMed 20104584 (cited by Labcorp Genetics (formerly Invitae), Labcorp); PubMed 21520333 (cited by Labcorp Genetics (formerly Invitae), Labcorp).

NM_000059.4(BRCA2):c.3358del (p.Glu1120fs)

Gene: BRCA2 (BRCA2 DNA repair associated; plus strand). Cytogenetic location: 13q13.1.
Variant type: Deletion.
Coding change: c.3358del on transcript NM_000059.4 (MANE Select); coding-DNA position 3358, one base deleted (G; older notation c.3358delG).
Protein change: p.Glu1120fs; shifts the reading frame from glutamic acid 1120.
Molecular consequence: frameshift variant.
Genome position (GRCh38, 1-based): chr13:32,337,713, G deleted. VCF-style (leftmost placement, unchanged base first): chr13-32337712-AG-A. GRCh37 (hg19) VCF-style: chr13-32911849-AG-A.
Other names: c.3358delG (NM_000059.3); short protein forms E1120fs.
Identifiers: ClinVar variation 142722 (VCV000142722.17), dbSNP rs587782672, ClinGen allele CA017851.
Genomic context (GRCh38, chr13:32,337,712, plus strand): 5'-AAACCATAATTTAACACCTAGCCAAAAGGCAGAAATTACAGAACTTTCTACTATATTAGA[AG>A]AATCAGGAAGTCAGTTTGAATTTACTCAGTTTAGAAAACCAAGCTACATATTGCAGAAGA-3'